The following is an entry in ClinVar:

ClinVar aggregate classification (germline): Uncertain significance. Review status: criteria provided, multiple submitters, no conflicts (2 of 4 stars). 2 submissions from 2 submitters: Uncertain significance (2). Last evaluated 2025-07-24.

Conditions:
Hereditary breast ovarian cancer syndrome. Also called: BRCA1- and BRCA2-Associated Hereditary Breast and Ovarian Cancer; Hereditary breast and ovarian cancer syndrome; Hereditary breast and/or ovarian cancer syndrome; Hereditary breast and ovarian cancer; Hereditary breast and ovarian cancer syndrome (HBOC); Breast and ovarian cancer. Identifiers: Orphanet 145, MedGen C0677776, MeSH D061325, MONDO:0003582. Disease mechanism: loss of function.

Allele frequency attached by ClinVar (database versions not stated): gnomAD exomes 0.00001; ExAC 0.00009.
gnomAD v4.1: 1 of 456,262 alleles (0.00022%); no homozygotes.

Submissions (2):

Labcorp Genetics (formerly Invitae), Labcorp
Classification: Uncertain significance for Hereditary breast ovarian cancer syndrome. Last evaluated: 2025-07-24. Review status: criteria provided, single submitter. Criteria: Invitae Variant Classification Sherloc (09022015). Collection method: clinical testing. Allele origin: germline.
Comment: This sequence change falls in intron 1 of the BRCA1 gene. It does not directly change the encoded amino acid sequence of the BRCA1 protein. It affects a nucleotide within the consensus splice site. This variant is present in population databases (rs769633464, gnomAD no frequency). This variant has not been reported in the literature in individuals affected with BRCA1-related conditions. ClinVar contains an entry for this variant (Variation ID: 801062). Variants that disrupt the consensus splice site are a relatively common cause of aberrant splicing (PMID: 17576681, 9536098). Algorithms developed to predict the effect of sequence changes on RNA splicing suggest that this variant may disrupt the consensus splice site. In summary, the available evidence is currently insufficient to determine the role of this variant in disease. Therefore, it has been classified as a Variant of Uncertain Significance.

Quest Diagnostics Nichols Institute San Juan Capistrano
Classification: Uncertain significance. Last evaluated: 2018-12-14. Review status: criteria provided, single submitter. Criteria: Quest Diagnostics criteria. Collection method: clinical testing. Allele origin: germline.

Literature cited by the submitters: PubMed 17576681 (cited by Labcorp Genetics (formerly Invitae), Labcorp); PubMed 9536098 (cited by Labcorp Genetics (formerly Invitae), Labcorp).

NM_007294.4(BRCA1):c.-20+1G>C

Genes: BRCA1 (BRCA1 DNA repair associated; minus strand), LOC111589215 (BRCA1 promoter region; plus strand). Cytogenetic location: 17q21.31.
Variant type: single nucleotide variant.
Coding change: c.-20+1G>C on transcript NM_007294.4 (MANE Select); the canonical splice donor site of the intron after 20 bases upstream of the start codon, G replaced by C.
Molecular consequence: splice donor variant. On other transcripts: intron variant (141), 5 prime UTR variant (96).
Genome position (GRCh38, 1-based): chr17:43,125,270, C>G on the plus strand (G>C on the coding strand, the complement: BRCA1 is on the minus strand). VCF-style: chr17-43125270-C-G. GRCh37 (hg19) VCF-style: chr17-41277287-C-G.
Other names: c.-107+7G>C (NM_001408464.1, NM_001407742.1, NM_001408498.1 and 8 more transcripts); c.-20+7G>C (NM_001408475.1, NM_001408451.1, NM_001407875.1 and 50 more transcripts); c.-296G>C (NM_001407571.1, NM_001407879.1, NM_001407907.1 and 4 more transcripts); c.-108G>C (NM_001407582.1, NM_001407597.1, NM_001407612.1 and 20 more transcripts); c.-553G>C (NM_001407583.1, NM_001407591.1, NM_001407594.1 and 32 more transcripts); c.-1174G>C (NM_001407593.1, NM_001407610.1, NM_001407621.1 and 6 more transcripts); c.-540G>C (NM_001407605.1, NM_001407623.1); c.-839G>C (NM_001407697.1); and 55 more.
Identifiers: ClinVar variation 801062 (VCV000801062.8), dbSNP rs769633464, ClinGen allele CA055050.